The following is an entry in ClinVar:

NM_017668.3(NDE1):c.947+2del

Gene: NDE1 (nudE neurodevelopment protein 1; plus strand). Cytogenetic location: 16p13.11.
Variant type: Deletion.
Coding change: c.947+2del on transcript NM_017668.3 (MANE Select); the canonical splice donor site of the intron after coding-DNA position 947, one base deleted (T; older notation c.947+2delT).
Molecular consequence: splice donor variant.
Genome position (GRCh38, 1-based): chr16:15,696,862, T deleted. VCF-style (leftmost placement, unchanged base first): chr16-15696861-GT-G. GRCh37 (hg19) VCF-style: chr16-15790718-GT-G.
Other names: c.947+2del (NM_001143979.2).
Identifiers: ClinVar variation 4886503 (VCV004886503.2).

ClinVar aggregate classification (germline): Likely pathogenic (1 of 4 stars; one submission).

Submission:

Dasa
Classification: Likely pathogenic. Last evaluated: 2025-07-03. Review status: criteria provided, single submitter. Criteria: DASA Assertion Criteria. Collection method: clinical testing. Allele origin: germline.
Comment: NM_017668.3(NDE1):c.947+2del affects a canonical splice site and is predicted to disrupt normal RNA splicing. Loss of function is an established disease mechanism for NDE1-associated disorders. Also, this variant is absent from population databases. Based on the currently available evidence, this variant is classified as likely pathogenic.